The following is an entry in ClinVar:

ClinVar aggregate classification (germline): Uncertain significance. Review status: criteria provided, multiple submitters, no conflicts (2 of 4 stars). 3 submissions from 3 submitters: Uncertain significance (3). Last evaluated 2025-02-11.

Conditions:
Hereditary cancer-predisposing syndrome. Also called: Hereditary Cancer Syndrome; Hereditary neoplastic syndrome; Tumor predisposition; Neoplastic Syndromes, Hereditary. Identifiers: Orphanet 140162, MedGen C0027672, MeSH D009386, MONDO:0015356.
Cardiovascular phenotype. Identifiers: MedGen CN230736.

Submissions (3):

Molecular Pathology, Peter Maccallum Cancer Centre
Classification: Uncertain significance for Hereditary cancer-predisposing syndrome. Last evaluated: 2025-02-11. Review status: criteria provided, single submitter. Criteria: ACMG Guidelines, 2015. Collection method: clinical testing. Allele origin: germline.

Labcorp Genetics (formerly Invitae), Labcorp
Classification: Uncertain significance. Last evaluated: 2023-08-10. Review status: criteria provided, single submitter. Criteria: Invitae Variant Classification Sherloc (09022015). Collection method: clinical testing. Allele origin: germline.
Comment: In summary, the available evidence is currently insufficient to determine the role of this variant in disease. Therefore, it has been classified as a Variant of Uncertain Significance. Advanced modeling of protein sequence and biophysical properties (such as structural, functional, and spatial information, amino acid conservation, physicochemical variation, residue mobility, and thermodynamic stability) performed at Invitae indicates that this missense variant is not expected to disrupt LZTR1 protein function. ClinVar contains an entry for this variant (Variation ID: 1791876). This variant has not been reported in the literature in individuals affected with LZTR1-related conditions. This variant is not present in population databases (gnomAD no frequency). This sequence change replaces histidine, which is basic and polar, with aspartic acid, which is acidic and polar, at codon 827 of the LZTR1 protein (p.His827Asp).

Ambry Genetics
Classification: Uncertain significance for Cardiovascular phenotype; Hereditary cancer-predisposing syndrome. Last evaluated: 2021-07-08. Review status: criteria provided, single submitter. Criteria: Ambry Variant Classification Scheme 2023. Collection method: clinical testing. Allele origin: germline.
Comment: The p.H827D variant (also known as c.2479C>G), located in coding exon 21 of the LZTR1 gene, results from a C to G substitution at nucleotide position 2479. The histidine at codon 827 is replaced by aspartic acid, an amino acid with similar properties. This amino acid position is highly conserved in available vertebrate species. In addition, the in silico prediction for this alteration is inconclusive. Since supporting evidence is limited at this time, the clinical significance of this alteration remains unclear.

NM_006767.4(LZTR1):c.2479C>G (p.His827Asp)

Gene: LZTR1 (leucine zipper like post translational regulator 1; plus strand). Cytogenetic location: 22q11.21.
Variant type: single nucleotide variant.
Coding change: c.2479C>G on transcript NM_006767.4 (MANE Select); coding-DNA position 2479, C replaced by G.
Protein change: p.His827Asp; replaces histidine 827 with aspartic acid.
Molecular consequence: missense variant.
Genome position (GRCh38, 1-based): chr22:20,997,304, C>G. VCF-style: chr22-20997304-C-G. GRCh37 (hg19) VCF-style: chr22-21351593-C-G.
Other names: short protein forms H827D.
Identifiers: ClinVar variation 1791876 (VCV001791876.6), dbSNP rs1924901183, ClinGen allele CA410781797.